The following is an entry in ClinVar:

NM_000540.3(RYR1):c.14893G>A (p.Gly4965Ser)

Gene: RYR1 (ryanodine receptor 1; plus strand). Cytogenetic location: 19q13.2.
Variant type: single nucleotide variant.
Coding change: c.14893G>A on transcript NM_000540.3 (MANE Select); coding-DNA position 14893, G replaced by A.
Protein change: p.Gly4965Ser; replaces glycine 4965 with serine.
Molecular consequence: missense variant.
Genome position (GRCh38, 1-based): chr19:38,586,115, G>A. VCF-style: chr19-38586115-G-A. GRCh37 (hg19) VCF-style: chr19-39076755-G-A.
Other names: c.14878G>A, p.Gly4960Ser (NM_001042723.2); short protein forms G4960S, G4965S.
Identifiers: ClinVar variation 3069264 (VCV003069264.1), dbSNP rs2514779896, ClinGen allele CA405692757.

ClinVar aggregate classification (germline): Uncertain significance (1 of 4 stars; one submission).

Conditions:
Malignant hyperthermia, susceptibility to, 1 (MHS1). Also called: RYR1-Related Malignant Hyperthermia Susceptibility; Anesthesia related hyperthermia; Malignant hyperpyrexia; Fulminating hyperpyrexia; Pharmacogenic myopathy; Malignant hyperthermia suceptibility 1. Identifiers: Orphanet 423, MedGen C2930980, MONDO:0007783, OMIM 145600.

gnomAD v4.1: 5 of 1,614,082 alleles (0.00031%); highest among the groups gnomAD compares: East Asian, 0.0045%; no homozygotes.

Submission:

All of Us Research Program, National Institutes of Health
Classification: Uncertain significance for Malignant hyperthermia, susceptibility to, 1. Last evaluated: 2023-05-04. Review status: criteria provided, single submitter. Criteria: ACMG Guidelines, 2015. Collection method: clinical testing. Allele origin: germline. Inheritance: Autosomal dominant inheritance. Observed: 2 variant alleles, 2 heterozygotes.
Comment: This missense variant replaces glycine with serine at codon 4965 of the RYR1 protein. Computational prediction suggests that this variant may have deleterious impact on protein structure and function (internally defined REVEL score threshold >= 0.7, PMID: 27666373). To our knowledge, functional studies have not been reported for this variant. This variant has not been reported in individuals affected with RYR1-related disorders in the literature. This variant has not been identified in the general population by the Genome Aggregation Database (gnomAD). The available evidence is insufficient to determine the role of this variant in disease conclusively. Therefore, this variant is classified as a Variant of Uncertain Significance.

This study involves interpretation of variants in research participants for the purpose of population health screening. Participant phenotype was not available at the time of variant classification. Additional details can be found in publication PMID: 35346344, PMCID: PMC8962531